The following is an entry in ClinVar:

NM_032043.3(BRIP1):c.507+19C>T

Gene: BRIP1 (BRCA1 interacting DNA helicase 1; minus strand). Cytogenetic location: 17q23.2.
Variant type: single nucleotide variant.
Coding change: c.507+19C>T on transcript NM_032043.3 (MANE Select); 19 bases into the intron after coding-DNA position 507, C replaced by T.
Molecular consequence: intron variant.
Genome position (GRCh38, 1-based): chr17:61,849,110, G>A on the plus strand (C>T on the coding strand, the complement: BRIP1 is on the minus strand). VCF-style: chr17-61849110-G-A. GRCh37 (hg19) VCF-style: chr17-59926471-G-A.
Identifiers: ClinVar variation 379597 (VCV000379597.12), dbSNP rs1057520658, ClinGen allele CA16607796.

ClinVar aggregate classification (germline): Likely benign. Review status: criteria provided, multiple submitters, no conflicts (2 of 4 stars). 3 submissions from 3 submitters: Likely benign (3). Last evaluated 2026-01-18.

Conditions:
Familial cancer of breast. Also called: Hereditary breast cancer; BREAST CANCER, FAMILIAL; hereditary breast carcinoma. Identifiers: Orphanet 227535, MedGen C0346153, MONDO:0016419, OMIM 114480. Disease mechanism: loss of function.
Fanconi anemia complementation group J. Also called: BRIP1-Related Fanconi Anemia. Identifiers: Orphanet 84, MedGen C1836860, MONDO:0012187, OMIM 609054.
Hereditary cancer-predisposing syndrome. Also called: Hereditary neoplastic syndrome; Tumor predisposition; Neoplastic Syndromes, Hereditary; Hereditary Cancer Syndrome. Identifiers: Orphanet 140162, MedGen C0027672, MeSH D009386, MONDO:0015356.

Allele frequency attached by ClinVar (database versions not stated): TOPMed below 0.00001; gnomAD 0.00001.
gnomAD v4.1: 9 of 1,612,714 alleles (0.00056%); highest among the groups gnomAD compares: Non-Finnish European, 0.000085%; no homozygotes.

Submissions (3):

Labcorp Genetics (formerly Invitae), Labcorp
Classification: Likely benign for Familial cancer of breast; Fanconi anemia complementation group J. Last evaluated: 2026-01-18. Review status: criteria provided, single submitter. Criteria: Invitae Variant Classification Sherloc (09022015). Collection method: clinical testing. Allele origin: germline.

GeneDx
Classification: Likely benign. Last evaluated: 2017-08-24. Review status: criteria provided, single submitter. Criteria: GeneDx Variant Classification (06012015). Collection method: clinical testing. Allele origin: germline. Affected: yes.
Comment: This variant is considered likely benign or benign based on one or more of the following criteria: it is a conservative change, it occurs at a poorly conserved position in the protein, it is predicted to be benign by multiple in silico algorithms, and/or has population frequency not consistent with disease.

Color Diagnostics, LLC DBA Color Health
Classification: Likely benign for Hereditary cancer-predisposing syndrome. Last evaluated: 2017-08-08. Review status: criteria provided, single submitter. Criteria: ACMG Guidelines, 2015. Collection method: clinical testing. Allele origin: germline.